The following is an entry in ClinVar:

NM_000257.4(MYH7):c.3567dup (p.Ala1190fs)

Gene: MYH7 (myosin heavy chain 7; minus strand). Cytogenetic location: 14q11.2.
Variant type: Duplication.
Coding change: c.3567dup on transcript NM_000257.4 (MANE Select); coding-DNA position 3567, one base duplicated (C; older notation c.3567dupC).
Protein change: p.Ala1190fs; shifts the reading frame from alanine 1190.
Molecular consequence: frameshift variant.
Genome position (GRCh38, 1-based): chr14:23,420,004, G duplicated on the plus strand (C on the coding strand, the reverse complement: MYH7 is on the minus strand); the first of 2 consecutive G bases (chr14:23,420,004-23,420,005); duplicating either gives the same sequence. VCF-style (leftmost placement, unchanged base first): chr14-23420003-C-CG. GRCh37 (hg19) VCF-style: chr14-23889212-C-CG.
Other names: c.3567dup, p.Ala1190fs (NM_001407004.1); short protein forms A1190fs.
Identifiers: ClinVar variation 3893933 (VCV003893933.1).

ClinVar aggregate classification (germline): Uncertain significance (1 of 4 stars; one submission).

Conditions:
Cardiomyopathy (CMYO). Also called: Cardiomyopathies. Identifiers: Orphanet 167848, MedGen C0878544, MONDO:0004994, HP:0001638. Inheritance: Various modes of inheritance.

Submission:

Color Diagnostics, LLC DBA Color Health
Classification: Uncertain significance for Cardiomyopathy. Last evaluated: 2024-09-13. Review status: criteria provided, single submitter. Criteria: ACMG Guidelines, 2015. Collection method: clinical testing. Allele origin: germline.
Comment: This variant inserts 1 nucleotide in exon 27 of the MYH7 gene, creating a frameshift and premature translation stop signal. This variant is expected to result in an absent or non-functional protein product. This variant been not reported in individuals affected with MYH7-related disorders in the literature. This variant has not been identified in the general population by the Genome Aggregation Database (gnomAD). Clinical significance of loss-of-function MYH7 truncation variants in autosomal dominant cardiomyopathy is not clearly established. Available evidence is insufficient to determine the role of this variant in disease conclusively. Therefore, this variant is classified as a Variant of Uncertain Significance.